The following is an entry in ClinVar:

NM_001386298.1(CIC):c.6512C>T (p.Pro2171Leu)

Gene: CIC (capicua transcriptional repressor; plus strand). Cytogenetic location: 19q13.2.
Variant type: single nucleotide variant.
Coding change: c.6512C>T on transcript NM_001386298.1 (MANE Select); coding-DNA position 6512, C replaced by T.
Protein change: p.Pro2171Leu; replaces proline 2171 with leucine.
Molecular consequence: missense variant.
Genome position (GRCh38, 1-based): chr19:42,293,271, C>T. VCF-style: chr19-42293271-C-T. GRCh37 (hg19) VCF-style: chr19-42797423-C-T.
Other names: c.3782C>T, p.Pro1261Leu (NM_001439189.1, NM_001439191.1); c.3785C>T, p.Pro1262Leu (NM_001439190.1, NM_015125.5, NM_001379484.1 and 1 more transcripts); c.6512C>T, p.Pro2171Leu (NM_001304815.2, NM_001379482.1, NM_001439183.1 and 2 more transcripts); c.6509C>T, p.Pro2170Leu (NM_001379480.1, NM_001439184.1, NM_001439185.1 and 1 more transcripts); short protein forms P1261L, P1262L, P2170L, P2171L.
Identifiers: ClinVar variation 4077276 (VCV004077276.1).

ClinVar aggregate classification (germline): Uncertain significance (1 of 4 stars; one submission).

gnomAD v4.1: 6 of 1,579,162 alleles (0.00038%); highest among the groups gnomAD compares: South Asian, 0.0012%; no homozygotes.

Submission:

GeneDx
Classification: Uncertain significance. Last evaluated: 2025-02-28. Review status: criteria provided, single submitter. Criteria: GeneDx Variant Classification Process June 2021. Collection method: clinical testing. Allele origin: germline. Affected: yes.
Comment: Not observed at significant frequency in large population cohorts (gnomAD); In silico analysis supports that this missense variant has a deleterious effect on protein structure/function; Has not been previously published as pathogenic or benign to our knowledge